The following is an entry in ClinVar:

NM_172107.4(KCNQ2):c.45C>A (p.Ser15Arg)

Gene: KCNQ2 (potassium voltage-gated channel subfamily Q member 2; minus strand). Cytogenetic location: 20q13.33.
Variant type: single nucleotide variant.
Coding change: c.45C>A on transcript NM_172107.4 (MANE Select); coding-DNA position 45, C replaced by A.
Protein change: p.Ser15Arg; replaces serine 15 with arginine.
Molecular consequence: missense variant.
Genome position (GRCh38, 1-based): chr20:63,472,419, G>T on the plus strand (C>A on the coding strand, the complement: KCNQ2 is on the minus strand). VCF-style: chr20-63472419-G-T. GRCh37 (hg19) VCF-style: chr20-62103772-G-T.
Other names: c.45C>A, p.Ser15Arg (NM_001382235.1, NM_004518.6, NM_172106.3 and 2 more transcripts); short protein forms S15R.
Identifiers: ClinVar variation 2730167 (VCV002730167.3), dbSNP rs1405868145, ClinGen allele CA409636112.

ClinVar aggregate classification (germline): Uncertain significance (1 of 4 stars; one submission).

Conditions:
Early-infantile DEE. Also called: Early infantile epileptic encephalopathy; Early infantile epileptic encephalopathy with suppression bursts; Ohtahara syndrome. Identifiers: Orphanet 1934, MedGen C0393706, MONDO:0800491.

Submission:

Labcorp Genetics (formerly Invitae), Labcorp
Classification: Uncertain significance for Early-infantile DEE. Last evaluated: 2023-11-24. Review status: criteria provided, single submitter. Criteria: Invitae Variant Classification Sherloc (09022015). Collection method: clinical testing. Allele origin: germline.
Comment: This sequence change replaces serine, which is neutral and polar, with arginine, which is basic and polar, at codon 15 of the KCNQ2 protein (p.Ser15Arg). This variant is not present in population databases (gnomAD no frequency). This variant has not been reported in the literature in individuals affected with KCNQ2-related conditions. Advanced modeling of protein sequence and biophysical properties (such as structural, functional, and spatial information, amino acid conservation, physicochemical variation, residue mobility, and thermodynamic stability) has been performed at Invitae for this missense variant, however the output from this modeling did not meet the statistical confidence thresholds required to predict the impact of this variant on KCNQ2 protein function. In summary, the available evidence is currently insufficient to determine the role of this variant in disease. Therefore, it has been classified as a Variant of Uncertain Significance.